The following is an entry in ClinVar:

ClinVar aggregate classification (germline): Benign/Likely benign. Review status: criteria provided, multiple submitters, no conflicts (2 of 4 stars). 6 submissions from 6 submitters: Benign (4); Likely benign (2). Last evaluated 2026-01-31.

Conditions:
VPS13A-related neurodegenerative disease. Also called: Choreoacanthocytosis; Chorea-acanthocytosis; LEVINE-CRITCHLEY SYNDROME; Choreaacanthocytosis; ACANTHOCYTOSIS WITH NEUROLOGIC DISORDER; VPS13A Disease. Identifiers: Orphanet 2388, MedGen C0393576, MONDO:0008695, OMIM 200150.

Allele frequency attached by ClinVar (database versions not stated): gnomAD exomes 0.00124 and 0.00337; ExAC 0.00400; gnomAD 0.01283 and 0.01369; ESP Exome Variant Server 0.01415; 1000 Genomes Project 0.01438; TOPMed 0.01487; 1000 Genomes Project 30x 0.01624.
gnomAD v4.1: 3,826 of 1,613,270 alleles (0.24%); highest among the groups gnomAD compares: African/African-American, 4.5%; 89 homozygotes.

Submissions (6):

Labcorp Genetics (formerly Invitae), Labcorp
Classification: Benign. Last evaluated: 2026-01-31. Review status: criteria provided, single submitter. Criteria: Invitae Variant Classification Sherloc (09022015). Collection method: clinical testing. Allele origin: germline.

Mayo Clinic Laboratories, Mayo Clinic
Classification: Benign. Last evaluated: 2023-04-12. Review status: criteria provided, single submitter. Criteria: ACMG Guidelines, 2015. Collection method: clinical testing. Allele origin: germline. Observed: 2 variant alleles.
Comment: BS1, BS2, BP4

GeneDx
Classification: Likely benign. Last evaluated: 2022-08-30. Review status: criteria provided, single submitter. Criteria: GeneDx Variant Classification Process June 2021. Collection method: clinical testing. Allele origin: germline. Affected: yes.
Comment: See Variant Classification Assertion Criteria.

Fulgent Genetics
Classification: Benign for VPS13A-related neurodegenerative disease. Last evaluated: 2022-01-16. Review status: criteria provided, single submitter. Criteria: ACMG Guidelines, 2015. Collection method: clinical testing. Allele origin: unknown.

Illumina Laboratory Services, Illumina
Classification: Benign for VPS13A-related neurodegenerative disease. Last evaluated: 2018-01-13. Review status: criteria provided, single submitter. Criteria: ICSL Variant Classification Criteria 13 December 2019. Collection method: clinical testing. Allele origin: germline.
Comment: This variant was observed in the ICSL laboratory as part of a predisposition screen in an ostensibly healthy population. It had not been previously curated by ICSL or reported in the Human Gene Mutation Database (HGMD: prior to June 1st, 2018), and was therefore a candidate for classification through an automated scoring system. Utilizing variant allele frequency, disease prevalence and penetrance estimates, and inheritance mode, an automated score was calculated to assess if this variant is too frequent to cause the disease. Based on the score and internal cut-off values, a variant classified as benign is not then subjected to further curation. The score for this variant resulted in a classification of benign for this disease.

Breakthrough Genomics
Classification: Likely benign. Review status: criteria provided, single submitter. Criteria: ACMG Guidelines, 2015. Collection method: not provided. Allele origin: germline. Inheritance: Autosomal recessive inheritance. Affected: yes.

NM_033305.3(VPS13A):c.5747G>A (p.Ser1916Asn)

Gene: VPS13A (vacuolar protein sorting 13 homolog A; plus strand). Cytogenetic location: 9q21.2.
Variant type: single nucleotide variant.
Coding change: c.5747G>A on transcript NM_033305.3 (MANE Select); coding-DNA position 5747, G replaced by A.
Protein change: p.Ser1916Asn; replaces serine 1916 with asparagine.
Molecular consequence: missense variant.
Genome position (GRCh38, 1-based): chr9:77,321,663, G>A. VCF-style: chr9-77321663-G-A. GRCh37 (hg19) VCF-style: chr9-79936579-G-A.
Other names: p.Ser1916Asn; c.5630G>A, p.Ser1877Asn (NM_001018037.2); c.5747G>A, p.Ser1916Asn (NM_001018038.3, NM_015186.4); short protein forms S1916N, S1877N.
Identifiers: ClinVar variation 367391 (VCV000367391.21), dbSNP rs73467962, ClinGen allele CA5092844.
Genomic context (GRCh38, chr9:77,321,663, plus strand): 5'-TTAGTGTACTCAACATTCCTATGGCAAAATCATATGTATTGAAAAATGGAGAAAGTTTAA[G>A]TATGGATTATATCCGAACCAAGGACAATGATCATTTCAATGCAATGACCAGCCTAAGCAG-3'
Protein context (NP_150648.2, residues 1906-1926): SYVLKNGESL[Ser1916Asn]MDYIRTKDND